The following is an entry in ClinVar:

NM_017950.4(CCDC40):c.2652C>G (p.Asp884Glu)

Gene: CCDC40 (coiled-coil domain 40 molecular ruler complex subunit; plus strand). Cytogenetic location: 17q25.3.
Variant type: single nucleotide variant.
Coding change: c.2652C>G on transcript NM_017950.4 (MANE Select); coding-DNA position 2652, C replaced by G.
Protein change: p.Asp884Glu; replaces aspartic acid 884 with glutamic acid.
Molecular consequence: missense variant.
Genome position (GRCh38, 1-based): chr17:80,088,043, C>G. VCF-style: chr17-80088043-C-G. GRCh37 (hg19) VCF-style: chr17-78061842-C-G.
Other names: c.2652C>G, p.Asp884Glu (NM_001243342.2); short protein forms D884E.
Identifiers: ClinVar variation 1373730 (VCV001373730.7), dbSNP rs368398257, ClinGen allele CA294868774.

ClinVar aggregate classification (germline): Uncertain significance (1 of 4 stars; one submission).

Conditions:
Primary ciliary dyskinesia. Also called: Ciliary dyskinesia. Identifiers: Orphanet 244, MedGen C0008780, MONDO:0016575, HP:0012265.

Allele frequency attached by ClinVar (database versions not stated): gnomAD 0.00002; gnomAD exomes 0.00002.
gnomAD v4.1: 25 of 1,613,622 alleles (0.0015%); highest among the groups gnomAD compares: East Asian, 0.018%; no homozygotes.

Submission:

Labcorp Genetics (formerly Invitae), Labcorp
Classification: Uncertain significance for Primary ciliary dyskinesia. Last evaluated: 2025-01-23. Review status: criteria provided, single submitter. Criteria: Invitae Variant Classification Sherloc (09022015). Collection method: clinical testing. Allele origin: germline.
Comment: This sequence change replaces aspartic acid, which is acidic and polar, with glutamic acid, which is acidic and polar, at codon 884 of the CCDC40 protein (p.Asp884Glu). This variant is present in population databases (rs368398257, gnomAD 0.03%), including at least one homozygous and/or hemizygous individual. This variant has not been reported in the literature in individuals affected with CCDC40-related conditions. ClinVar contains an entry for this variant (Variation ID: 1373730). Invitae Evidence Modeling of protein sequence and biophysical properties (such as structural, functional, and spatial information, amino acid conservation, physicochemical variation, residue mobility, and thermodynamic stability) indicates that this missense variant is not expected to disrupt CCDC40 protein function with a negative predictive value of 80%. In summary, the available evidence is currently insufficient to determine the role of this variant in disease. Therefore, it has been classified as a Variant of Uncertain Significance.